The following is an entry in ClinVar:

NM_212482.4(FN1):c.4300G>A (p.Glu1434Lys)

Gene: FN1 (fibronectin 1; minus strand). Cytogenetic location: 2q35.
Variant type: single nucleotide variant.
Coding change: c.4300G>A on transcript NM_212482.4 (MANE Select); coding-DNA position 4300, G replaced by A.
Protein change: p.Glu1434Lys; replaces glutamic acid 1434 with lysine.
Molecular consequence: missense variant.
Genome position (GRCh38, 1-based): chr2:215,388,254, C>T on the plus strand (G>A on the coding strand, the complement: FN1 is on the minus strand). VCF-style: chr2-215388254-C-T. GRCh37 (hg19) VCF-style: chr2-216252977-C-T.
Other names: c.4300G>A (NM_212482.1); c.4300G>A, p.Glu1434Lys (NM_001306129.2, NM_001306130.2, NM_001365517.2 and 3 more transcripts); c.4027G>A, p.Glu1343Lys (NM_001306131.2, NM_001306132.2, NM_001365518.2 and 7 more transcripts); short protein forms E1343K, E1434K.
Identifiers: ClinVar variation 2105582 (VCV002105582.5), dbSNP rs1575449900, ClinGen allele CA350482448.

ClinVar aggregate classification (germline): Uncertain significance. Review status: criteria provided, multiple submitters, no conflicts (2 of 4 stars). 2 submissions from 2 submitters: Uncertain significance (2). Last evaluated 2025-11-24.

Conditions:
Inborn genetic diseases. Identifiers: MedGen C0950123, MeSH D030342.

Allele frequency attached by ClinVar (database versions not stated): gnomAD exomes below 0.00001; TOPMed below 0.00001.
gnomAD v4.1: 4 of 1,614,008 alleles (0.00025%); highest among the groups gnomAD compares: South Asian, 0.0011%; no homozygotes.

Submissions (2):

Ambry Genetics
Classification: Uncertain significance for Inborn genetic diseases. Last evaluated: 2025-11-24. Review status: criteria provided, single submitter. Criteria: Ambry Variant Classification Scheme 2023. Collection method: clinical testing. Allele origin: germline.

Labcorp Genetics (formerly Invitae), Labcorp
Classification: Uncertain significance. Last evaluated: 2022-07-14. Review status: criteria provided, single submitter. Criteria: Invitae Variant Classification Sherloc (09022015). Collection method: clinical testing. Allele origin: germline.
Comment: In summary, the available evidence is currently insufficient to determine the role of this variant in disease. Therefore, it has been classified as a Variant of Uncertain Significance. Algorithms developed to predict the effect of missense changes on protein structure and function are either unavailable or do not agree on the potential impact of this missense change (SIFT: "Not Available"; PolyPhen-2: "Benign"; Align-GVGD: "Not Available"). This variant has not been reported in the literature in individuals affected with FN1-related conditions. This variant is not present in population databases (gnomAD no frequency). This sequence change replaces glutamic acid, which is acidic and polar, with lysine, which is basic and polar, at codon 1434 of the FN1 protein (p.Glu1434Lys).